The following is an entry in ClinVar:

ClinVar aggregate classification (germline): Pathogenic (1 of 4 stars; one submission).

Conditions:
Juvenile retinoschisis (RS1). Also called: X-linked retinoschisis; X-Linked Juvenile Retinoschisis. Identifiers: Orphanet 792, MedGen C3714753, MONDO:0010725, OMIM 312700.

Submission:

Natera, Inc.
Classification: Pathogenic for X-linked retinoschisis. Last evaluated: 2025-10-14. Review status: criteria provided, single submitter. Criteria: Natera Variant Classification Schema (03/2026). Collection method: clinical testing. Allele origin: germline.
Comment: The c.238C>T variant in RS1 is a nonsense variant predicted to introduce a stop codon at amino acid 80. This variant is expected to result in nonsense mediated decay, truncation, or a dysfunctional protein product. This variant is rare in the general population with a frequency below the threshold expected for the associated phenotype(s). This variant has been observed in affected individual(s) with monoallelic occurrence (heterozygous/hemizygous) (PMID: 19324861). Given the available evidence, this variant is classified as Pathogenic.

Literature cited by the submitters: PubMed 19324861.

NM_000330.4(RS1):c.238C>T (p.Gln80Ter)

Genes: CDKL5 (cyclin dependent kinase like 5; plus strand), RS1 (retinoschisin 1; minus strand). Cytogenetic location: Xp22.13.
Variant type: single nucleotide variant.
Coding change: c.238C>T on transcript NM_000330.4 (MANE Select); coding-DNA position 238, C replaced by T.
Protein change: p.Gln80Ter; replaces glutamine 80 with a stop codon.
Molecular consequence: nonsense. On other transcripts: intron variant (2).
Genome position (GRCh38, 1-based): chrX:18,647,279, G>A on the plus strand (C>T on the coding strand, the complement: RS1 is on the minus strand). VCF-style: chrX-18647279-G-A. GRCh37 (hg19) VCF-style: chrX-18665399-G-A.
Other names: c.2797+1189G>A (NM_003159.3, NM_001037343.2); short protein forms Q80*.
Identifiers: ClinVar variation 4818179 (VCV004818179.1).